The following is an entry in ClinVar:

NM_006070.6(TFG):c.820+209T>C

Gene: TFG (trafficking from ER to golgi regulator; plus strand). Cytogenetic location: 3q12.2.
Variant type: single nucleotide variant.
Coding change: c.820+209T>C on transcript NM_006070.6 (MANE Select); 209 bases into the intron after coding-DNA position 820, T replaced by C.
Molecular consequence: intron variant.
Genome position (GRCh38, 1-based): chr3:100,745,140, T>C. VCF-style: chr3-100745140-T-C. GRCh37 (hg19) VCF-style: chr3-100463984-T-C.
Other names: c.820+209T>C (NM_001007565.2, NM_001195478.2); c.808+209T>C (NM_001195479.2).
Identifiers: ClinVar variation 670232 (VCV000670232.2), dbSNP rs13092027, ClinGen allele CA15243660.

ClinVar aggregate classification (germline): Benign. Review status: criteria provided, multiple submitters, no conflicts (2 of 4 stars). 2 submissions from 2 submitters: Benign (2). Last evaluated 2018-06-14.

Allele frequency attached by ClinVar (database versions not stated): 1000 Genomes Project 0.35763; 1000 Genomes Project 30x 0.36181; TOPMed 0.36519; gnomAD 0.37078 and 0.37189.
gnomAD v4.1: 56,596 of 152,030 alleles (37%); highest among the groups gnomAD compares: South Asian, 49%; 10,752 homozygotes.

Submissions (2):

GeneDx
Classification: Benign. Last evaluated: 2018-06-14. Review status: criteria provided, single submitter. Criteria: GeneDx Variant Classification (06012015). Collection method: clinical testing. Allele origin: germline. Affected: yes.
Comment: This variant is considered likely benign or benign based on one or more of the following criteria: it is a conservative change, it occurs at a poorly conserved position in the protein, it is predicted to be benign by multiple in silico algorithms, and/or has population frequency not consistent with disease.

Breakthrough Genomics
Classification: Benign. Review status: criteria provided, single submitter. Criteria: ACMG Guidelines, 2015. Collection method: not provided. Allele origin: germline. Inheritance: Autosomal recessive inheritance. Affected: yes.